The following is an entry in ClinVar:

ClinVar aggregate classification (germline): Uncertain significance. Review status: criteria provided, multiple submitters, no conflicts (2 of 4 stars). 2 submissions from 2 submitters: Uncertain significance (2). Last evaluated 2026-08-19.

Conditions:
KRT2-related disorder. Also called: KRT2-related condition.
Inborn genetic diseases. Identifiers: MedGen C0950123, MeSH D030342.

Allele frequency attached by ClinVar (database versions not stated): ExAC 0.00002; gnomAD 0.00007; TOPMed 0.00008; ESP Exome Variant Server 0.00015.
gnomAD v4.1: 249 of 1,613,872 alleles (0.015%); highest among the groups gnomAD compares: Non-Finnish European, 0.019%; no homozygotes.

Submissions (2):

PreventionGenetics, part of Exact Sciences
Classification: Uncertain significance for KRT2-related condition. Last evaluated: 2026-08-19. Review status: criteria provided, single submitter. Criteria: ACMG Guidelines, 2015. Collection method: clinical testing. Allele origin: germline.
Comment: The KRT2 c.1432G>A variant is predicted to result in the amino acid substitution p.Ala478Thr. To our knowledge, this variant has not been reported in the literature. This variant is reported in 0.011% of alleles in individuals of Latino descent in gnomAD. At this time, the clinical significance of this variant is uncertain due to the absence of conclusive functional and genetic evidence.

Ambry Genetics
Classification: Uncertain significance for Inborn genetic diseases. Last evaluated: 2025-04-15. Review status: criteria provided, single submitter. Criteria: Ambry Variant Classification Scheme 2023. Collection method: clinical testing. Allele origin: germline.

NM_000423.3(KRT2):c.1432G>A (p.Ala478Thr)

Gene: KRT2 (keratin 2; minus strand). Cytogenetic location: 12q13.13.
Variant type: single nucleotide variant.
Coding change: c.1432G>A on transcript NM_000423.3 (MANE Select); coding-DNA position 1432, G replaced by A.
Protein change: p.Ala478Thr; replaces alanine 478 with threonine.
Molecular consequence: missense variant.
Genome position (GRCh38, 1-based): chr12:52,646,777, C>T on the plus strand (G>A on the coding strand, the complement: KRT2 is on the minus strand). VCF-style: chr12-52646777-C-T. GRCh37 (hg19) VCF-style: chr12-53040561-C-T.
Other names: short protein forms A478T.
Identifiers: ClinVar variation 2210196 (VCV002210196.4), dbSNP rs144860513, ClinGen allele CA6585483.